The following is an entry in ClinVar:

ClinVar aggregate classification (germline): Benign/Likely benign. Review status: criteria provided, multiple submitters, no conflicts (2 of 4 stars). 7 submissions from 7 submitters: Benign (2); Likely benign (4). 1 of the submissions does not count toward it. Last evaluated 2026-02-25.

Conditions:
TECTA-related disorder. Also called: TECTA-related condition.

Allele frequency attached by ClinVar (database versions not stated): ExAC 0.00055; gnomAD 0.00148 and 0.00154; 1000 Genomes Project 30x 0.00156; TOPMed 0.00156; 1000 Genomes Project 0.00160; ESP Exome Variant Server 0.00161.
gnomAD v4.1: 524 of 1,614,066 alleles (0.032%); highest among the groups gnomAD compares: African/African-American, 0.48%; 1 homozygote.

Submissions (7):

Women's Health and Genetics/Laboratory Corporation of America, LabCorp
Classification: Likely benign. Last evaluated: 2026-02-25. Review status: criteria provided, single submitter. Criteria: LabCorp Variant Classification Summary - May 2015. Collection method: clinical testing. Allele origin: germline.

Labcorp Genetics (formerly Invitae), Labcorp
Classification: Benign. Last evaluated: 2025-12-15. Review status: criteria provided, single submitter. Criteria: Invitae Variant Classification Sherloc (09022015). Collection method: clinical testing. Allele origin: germline.

Blueprint Genetics
Classification: Likely benign. Last evaluated: 2024-11-01. Review status: criteria provided, single submitter. Criteria: ACMG Guidelines, 2015. Collection method: clinical testing. Allele origin: germline.

ARUP Laboratories, Molecular Genetics and Genomics, ARUP Laboratories
Classification: Likely benign. Last evaluated: 2021-04-13. Review status: criteria provided, single submitter. Criteria: ARUP Molecular Germline Variant Investigation Process 2021. Collection method: clinical testing. Allele origin: germline.

GeneDx
Classification: Likely benign. Last evaluated: 2020-12-16. Review status: criteria provided, single submitter. Criteria: GeneDx Variant Classification Process June 2021. Collection method: clinical testing. Allele origin: germline. Affected: yes.

Laboratory for Molecular Medicine, Mass General Brigham Personalized Medicine
Classification: Benign. Last evaluated: 2016-06-16. Review status: criteria provided, single submitter. Criteria: LMM Criteria. Collection method: clinical testing. Allele origin: germline. Observed: 4 variant alleles.
Comment: p.Asp1720Asp in Exon 15 of TECTA: This variant is not expected to have clinical significance because it does not alter an amino acid residue, is not located wit hin the splice consensus sequence, and has been identified in 0.6% (61/10394) of African chromosomes by the Exome Aggregation Consortium (ExAC; dbSNP rs142657158).

PreventionGenetics, part of Exact Sciences
Classification: Likely benign for TECTA-related condition. Last evaluated: 2019-03-20. Review status: no assertion criteria provided. Collection method: clinical testing. Allele origin: germline. Not counted in ClinVar's aggregate classification.
Comment: This variant is classified as likely benign based on ACMG/AMP sequence variant interpretation guidelines (Richards et al. 2015 PMID: 25741868, with internal and published modifications).

NM_005422.4(TECTA):c.5160C>T (p.Asp1720=)

Genes: TBCEL-TECTA (TBCEL-TECTA readthrough; plus strand), TECTA (tectorin alpha; plus strand). Cytogenetic location: 11q23.3.
Variant type: single nucleotide variant.
Coding change: c.5160C>T on transcript NM_005422.4 (MANE Select); coding-DNA position 5160, C replaced by T.
Protein change: p.Asp1720=; no amino-acid change (aspartic acid 1720 retained).
Molecular consequence: synonymous variant.
Genome position (GRCh38, 1-based): chr11:121,162,258, C>T. VCF-style: chr11-121162258-C-T. GRCh37 (hg19) VCF-style: chr11-121032967-C-T.
Other names: c.6102C>T, p.Asp2034= (NM_001378761.1).
Identifiers: ClinVar variation 178541 (VCV000178541.27), dbSNP rs142657158, ClinGen allele CA182523.